The following is an entry in ClinVar:

ClinVar aggregate classification (germline): Benign. Review status: criteria provided, single submitter (1 of 4 stars). 2 submissions from 2 submitters: Benign (1). 1 of the submissions does not count toward it. Last evaluated 2018-09-19.

Conditions:
LDHB-related disorder. Also called: LDHB-related condition.

Allele frequency attached by ClinVar (database versions not stated): gnomAD exomes 0.00018 and 0.00042; ExAC 0.00055; 1000 Genomes Project 0.00160; 1000 Genomes Project 30x 0.00172; gnomAD 0.00179 and 0.00184; TOPMed 0.00199; ESP Exome Variant Server 0.00231.
gnomAD v4.1: 560 of 1,612,312 alleles (0.035%); highest among the groups gnomAD compares: African/African-American, 0.61%; 1 homozygote.

Submissions (2):

Labcorp Genetics (formerly Invitae), Labcorp
Classification: Benign. Last evaluated: 2018-09-19. Review status: criteria provided, single submitter. Criteria: Invitae Variant Classification Sherloc (09022015). Collection method: clinical testing. Allele origin: germline.

PreventionGenetics, part of Exact Sciences
Classification: Likely benign for LDHB-related condition. Last evaluated: 2019-08-20. Review status: no assertion criteria provided. Collection method: clinical testing. Allele origin: germline. Not counted in ClinVar's aggregate classification.
Comment: This variant is classified as likely benign based on ACMG/AMP sequence variant interpretation guidelines (Richards et al. 2015 PMID: 25741868, with internal and published modifications).

NM_002300.8(LDHB):c.435G>A (p.Thr145=)

Gene: LDHB (lactate dehydrogenase B; minus strand). Cytogenetic location: 12p12.1.
Variant type: single nucleotide variant.
Coding change: c.435G>A on transcript NM_002300.8 (MANE Select); coding-DNA position 435, G replaced by A.
Protein change: p.Thr145=; no amino-acid change (threonine 145 retained).
Molecular consequence: synonymous variant.
Genome position (GRCh38, 1-based): chr12:21,642,112, C>T on the plus strand (G>A on the coding strand, the complement: LDHB is on the minus strand). VCF-style: chr12-21642112-C-T. GRCh37 (hg19) VCF-style: chr12-21795046-C-T.
Other names: c.435G>A, p.Thr145= (NM_001174097.3, NM_001315537.2).
Identifiers: ClinVar variation 725612 (VCV000725612.5), dbSNP rs112045700, ClinGen allele CA6480469.